The following is an entry in ClinVar:

NM_002203.4(ITGA2):c.789T>C (p.Ala263=)

Gene: ITGA2 (integrin subunit alpha 2; plus strand). Cytogenetic location: 5q11.2.
Variant type: single nucleotide variant.
Coding change: c.789T>C on transcript NM_002203.4 (MANE Select); coding-DNA position 789, T replaced by C.
Protein change: p.Ala263=; no amino-acid change (alanine 263 retained).
Molecular consequence: synonymous variant. On other transcripts: non-coding transcript variant (5).
Genome position (GRCh38, 1-based): chr5:53,055,547, T>C. VCF-style: chr5-53055547-T-C. GRCh37 (hg19) VCF-style: chr5-52351377-T-C.
Identifiers: ClinVar variation 353743 (VCV000353743.7), dbSNP rs1139484, ClinGen allele CA3262717.

ClinVar aggregate classification (germline): Benign/Likely benign. Review status: criteria provided, multiple submitters, no conflicts (2 of 4 stars). 3 submissions from 3 submitters: Benign (2); Likely benign (1). Last evaluated 2024-11-26.

Conditions:
Platelet-type bleeding disorder 9 (BDPLT9). Also called: GLYCOPROTEIN Ia DEFICIENCY; GP Ia DEFICIENCY; COLLAGEN PLATELET RECEPTOR DEFICIENCY. Identifiers: Orphanet 73271, Orphanet 98886, MedGen C3280114, MONDO:0013622, OMIM 614200.

Allele frequency attached by ClinVar (database versions not stated): gnomAD exomes 0.08379 and 0.08753; ExAC 0.08670; 1000 Genomes Project 0.09764; 1000 Genomes Project 30x 0.09775; gnomAD 0.10558 and 0.10712; TOPMed 0.10962; ESP Exome Variant Server 0.11710.
gnomAD v4.1: 144,290 of 1,612,506 alleles (8.9%); highest among the groups gnomAD compares: African/African-American, 17%; 7,096 homozygotes.

Submissions (3):

Blueprint Genetics
Classification: Likely benign. Last evaluated: 2024-11-26. Review status: criteria provided, single submitter. Criteria: ACMG Guidelines, 2015. Collection method: clinical testing. Allele origin: germline.

Illumina Laboratory Services, Illumina
Classification: Benign for Platelet-type bleeding disorder 9. Last evaluated: 2018-01-13. Review status: criteria provided, single submitter. Criteria: ICSL Variant Classification Criteria 13 December 2019. Collection method: clinical testing. Allele origin: germline.
Comment: This variant was observed in the ICSL laboratory as part of a predisposition screen in an ostensibly healthy population. It had not been previously curated by ICSL or reported in the Human Gene Mutation Database (HGMD: prior to June 1st, 2018), and was therefore a candidate for classification through an automated scoring system. Utilizing variant allele frequency, disease prevalence and penetrance estimates, and inheritance mode, an automated score was calculated to assess if this variant is too frequent to cause the disease. Based on the score and internal cut-off values, a variant classified as benign is not then subjected to further curation. The score for this variant resulted in a classification of benign for this disease.

Breakthrough Genomics
Classification: Benign. Review status: criteria provided, single submitter. Criteria: ACMG Guidelines, 2015. Collection method: not provided. Allele origin: germline. Inheritance: Unknown mechanism. Affected: yes.